The following is an entry in ClinVar:

NM_000066.4(C8B):c.290G>A (p.Gly97Glu)

Gene: C8B (complement C8 beta chain; minus strand). Cytogenetic location: 1p32.2.
Variant type: single nucleotide variant.
Coding change: c.290G>A on transcript NM_000066.4 (MANE Select); coding-DNA position 290, G replaced by A.
Protein change: p.Gly97Glu; replaces glycine 97 with glutamic acid.
Molecular consequence: missense variant.
Genome position (GRCh38, 1-based): chr1:56,956,870, C>T on the plus strand (G>A on the coding strand, the complement: C8B is on the minus strand). VCF-style: chr1-56956870-C-T. GRCh37 (hg19) VCF-style: chr1-57422543-C-T.
Other names: c.134G>A, p.Gly45Glu (NM_001278543.2); c.104G>A, p.Gly35Glu (NM_001278544.2); short protein forms G45E, G97E, G35E.
Identifiers: ClinVar variation 2777431 (VCV002777431.3), dbSNP rs758039686, ClinGen allele CA876033.

ClinVar aggregate classification (germline): Uncertain significance (1 of 4 stars; one submission).

Allele frequency attached by ClinVar (database versions not stated): gnomAD exomes below 0.00001; ExAC 0.00001; TOPMed 0.00001.
gnomAD v4.1: 4 of 1,614,072 alleles (0.00025%); highest among the groups gnomAD compares: African/African-American, 0.0013%; no homozygotes.

Submission:

Labcorp Genetics (formerly Invitae), Labcorp
Classification: Uncertain significance. Last evaluated: 2022-12-01. Review status: criteria provided, single submitter. Criteria: Invitae Variant Classification Sherloc (09022015). Collection method: clinical testing. Allele origin: germline.
Comment: In summary, the available evidence is currently insufficient to determine the role of this variant in disease. Therefore, it has been classified as a Variant of Uncertain Significance. Algorithms developed to predict the effect of missense changes on protein structure and function are either unavailable or do not agree on the potential impact of this missense change (SIFT: "Deleterious"; PolyPhen-2: "Probably Damaging"; Align-GVGD: "Class C0"). This variant has not been reported in the literature in individuals affected with C8B-related conditions. This variant is present in population databases (rs758039686, gnomAD 0.0009%). This sequence change replaces glycine, which is neutral and non-polar, with glutamic acid, which is acidic and polar, at codon 97 of the C8B protein (p.Gly97Glu).